The following is an entry in ClinVar:

NM_014780.5(CUL7):c.139C>T (p.Arg47Cys)

Gene: CUL7 (cullin 7; minus strand). Cytogenetic location: 6p21.1.
Variant type: single nucleotide variant.
Coding change: c.139C>T on transcript NM_014780.5 (MANE Select); coding-DNA position 139, C replaced by T.
Protein change: p.Arg47Cys; replaces arginine 47 with cysteine.
Molecular consequence: missense variant.
Genome position (GRCh38, 1-based): chr6:43,052,650, G>A on the plus strand (C>T on the coding strand, the complement: CUL7 is on the minus strand). VCF-style: chr6-43052650-G-A. GRCh37 (hg19) VCF-style: chr6-43020388-G-A.
Other names: c.139C>T, p.Arg47Cys (NM_001168370.2, NM_001374872.1, NM_001374873.1 and 1 more transcripts); short protein forms R47C.
Identifiers: ClinVar variation 499749 (VCV000499749.14), dbSNP rs371627402, ClinGen allele CA3814448.

ClinVar aggregate classification (germline): Conflicting classifications of pathogenicity. Review status: criteria provided, conflicting classifications (1 of 4 stars). 3 submissions from 3 submitters: Uncertain significance (2); Likely benign (1). Last evaluated 2026-01-01.

Allele frequency attached by ClinVar (database versions not stated): gnomAD exomes 0.00010 and 0.00035; gnomAD 0.00013; TOPMed 0.00017; ESP Exome Variant Server 0.00023; ExAC 0.00007.

Submissions (4):

CeGaT Center for Human Genetics Tuebingen
Classification: Likely benign. Last evaluated: 2026-01-01. Review status: criteria provided, single submitter. Criteria: CeGaT Center For Human Genetics Tuebingen Variant Classification Criteria Version 2. Collection method: clinical testing. Allele origin: germline. Affected: yes. Observed: 1 variant allele.
Comment: CUL7: BP4

Labcorp Genetics (formerly Invitae), Labcorp
Classification: Uncertain significance. Last evaluated: 2024-11-05. Review status: criteria provided, single submitter. Criteria: Invitae Variant Classification Sherloc (09022015). Collection method: clinical testing. Allele origin: germline.
Comment: This sequence change replaces arginine, which is basic and polar, with cysteine, which is neutral and slightly polar, at codon 47 of the CUL7 protein (p.Arg47Cys). This variant is present in population databases (rs371627402, gnomAD 0.02%). This variant has not been reported in the literature in individuals affected with CUL7-related conditions. ClinVar contains an entry for this variant (Variation ID: 499749). An algorithm developed to predict the effect of missense changes on protein structure and function outputs the following: PolyPhen-2: "Probably Damaging". The cysteine amino acid residue is found in multiple mammalian species, which suggests that this missense change does not adversely affect protein function. In summary, the available evidence is currently insufficient to determine the role of this variant in disease. Therefore, it has been classified as a Variant of Uncertain Significance.

Eurofins Ntd Llc (ga)
Classification: Uncertain significance. Last evaluated: 2017-01-23. Review status: criteria provided, single submitter. Criteria: EGL Classification Definitions 2015. Collection method: clinical testing. Allele origin: germline. Observed: 1 variant allele, 1 heterozygote.

Dr. Peter K. Rogan Lab, Western University
No classification provided (evidence only). Condition: Malignant tumor of esophagus. Review status: no classification provided. Collection method: in vitro. Allele origin: not applicable. Functional consequence: retained intron. Not counted in ClinVar's aggregate classification.